The following is an entry in ClinVar:

ClinVar aggregate classification (germline): Uncertain significance (1 of 4 stars; one submission).

Allele frequency attached by ClinVar (database versions not stated): gnomAD exomes below 0.00001 and 0.00001; TOPMed below 0.00001; ExAC 0.00001; ESP Exome Variant Server 0.00008.
gnomAD v4.1: 3 of 1,614,084 alleles (0.00019%); highest among the groups gnomAD compares: Non-Finnish European, 0.000085%; no homozygotes.

Submission:

Labcorp Genetics (formerly Invitae), Labcorp
Classification: Uncertain significance. Last evaluated: 2021-08-27. Review status: criteria provided, single submitter. Criteria: Invitae Variant Classification Sherloc (09022015). Collection method: clinical testing. Allele origin: germline.
Comment: This sequence change replaces proline with arginine at codon 4313 of the LRP2 protein (p.Pro4313Arg). The proline residue is highly conserved and there is a moderate physicochemical difference between proline and arginine. This variant is present in population databases (rs369207763, ExAC 0.001%). This variant has not been reported in the literature in individuals affected with LRP2-related conditions. Algorithms developed to predict the effect of missense changes on protein structure and function are either unavailable or do not agree on the potential impact of this missense change (SIFT: "Deleterious"; PolyPhen-2: "Probably Damaging"; Align-GVGD: "Class C0"). In summary, the available evidence is currently insufficient to determine the role of this variant in disease. Therefore, it has been classified as a Variant of Uncertain Significance.

NM_004525.3(LRP2):c.12938C>G (p.Pro4313Arg)

Gene: LRP2 (LDL receptor related protein 2; minus strand). Cytogenetic location: 2q31.1.
Variant type: single nucleotide variant.
Coding change: c.12938C>G on transcript NM_004525.3 (MANE Select); coding-DNA position 12938, C replaced by G.
Protein change: p.Pro4313Arg; replaces proline 4313 with arginine.
Molecular consequence: missense variant.
Genome position (GRCh38, 1-based): chr2:169,145,797, G>C on the plus strand (C>G on the coding strand, the complement: LRP2 is on the minus strand). VCF-style: chr2-169145797-G-C. GRCh37 (hg19) VCF-style: chr2-170002307-G-C.
Other names: short protein forms P4313R.
Identifiers: ClinVar variation 1486734 (VCV001486734.3), dbSNP rs369207763, ClinGen allele CA1952697.